The following is an entry in ClinVar:

ClinVar aggregate classification (germline): Uncertain significance (1 of 4 stars; one submission).

Submission:

GeneDx
Classification: Uncertain significance. Last evaluated: 2022-09-12. Review status: criteria provided, single submitter. Criteria: GeneDx Variant Classification Process June 2021. Collection method: clinical testing. Allele origin: germline. Affected: yes.
Comment: Not observed at significant frequency in large population cohorts (gnomAD); In silico analysis supports that this missense variant has a deleterious effect on protein structure/function; Has not been previously published as pathogenic or benign to our knowledge

NM_005334.3(HCFC1):c.109C>T (p.Arg37Cys)

Gene: HCFC1 (host cell factor C1; minus strand). Cytogenetic location: Xq28.
Variant type: single nucleotide variant.
Coding change: c.109C>T on transcript NM_005334.3 (MANE Select); coding-DNA position 109, C replaced by T.
Protein change: p.Arg37Cys; replaces arginine 37 with cysteine.
Molecular consequence: missense variant.
Genome position (GRCh38, 1-based): chrX:153,970,732, G>A on the plus strand (C>T on the coding strand, the complement: HCFC1 is on the minus strand). VCF-style: chrX-153970732-G-A. GRCh37 (hg19) VCF-style: chrX-153236183-G-A.
Other names: c.109C>T, p.Arg37Cys (NM_001410705.1); short protein forms R37C.
Identifiers: ClinVar variation 2443555 (VCV002443555.1), dbSNP rs2521819335, ClinGen allele CA415156473.